The following is an entry in ClinVar:

ClinVar aggregate classification (germline): Pathogenic (1 of 4 stars; one submission).

Conditions:
Wilson disease (WND). Also called: Wilson's disease. Identifiers: Orphanet 905, MedGen C0019202, MONDO:0010200, OMIM 277900. Disease mechanism: loss of function.

Submission:

Labcorp Genetics (formerly Invitae), Labcorp
Classification: Pathogenic for Wilson disease. Last evaluated: 2023-08-28. Review status: criteria provided, single submitter. Criteria: Invitae Variant Classification Sherloc (09022015). Collection method: clinical testing. Allele origin: germline.
Comment: This variant results in the deletion of exons 17-18 and part of exon 19 (c.3556+281_4001del) of the ATP7B gene. It is expected to disrupt RNA splicing. Variants that disrupt the donor or acceptor splice site typically lead to a loss of protein function (PMID: 16199547), and loss-of-function variants in ATP7B are known to be pathogenic (PMID: 10441329, 16283883). This variant has been observed in individual(s) with Wilson disease (PMID: 27992490). This variant disrupts a region of the ATP7B protein in which other variant(s) (p.Arg1320Ser) have been determined to be pathogenic (PMID: 23843956, 27398169). This suggests that this is a clinically significant region of the protein, and that variants that disrupt it are likely to be disease-causing. For these reasons, this variant has been classified as Pathogenic.

Literature cited by the submitters: PubMed 16199547; PubMed 10441329; PubMed 16283883; PubMed 27992490; PubMed 23843956; PubMed 27398169.

NC_000013.10:g.(?_52511432)_(52514936_?)del

Gene: ATP7B (ATPase copper transporting beta; minus strand). Cytogenetic location: 13q14.3.
Variant type: Deletion.
Identifiers: ClinVar variation 2422251 (VCV002422251.4).